The following is an entry in ClinVar:

ClinVar aggregate classification (germline): Uncertain significance (1 of 4 stars; one submission).

Submission:

Labcorp Genetics (formerly Invitae), Labcorp
Classification: Uncertain significance. Last evaluated: 2025-06-05. Review status: criteria provided, single submitter. Criteria: Invitae Variant Classification Sherloc (09022015). Collection method: clinical testing. Allele origin: germline.
Comment: This sequence change creates a premature translational stop signal (p.Trp172*) in the OPN1SW gene. It is expected to result in an absent or disrupted protein product. However, the current clinical and genetic evidence is not sufficient to establish whether loss-of-function variants in OPN1SW cause disease. This variant is not present in population databases (gnomAD no frequency). This variant has not been reported in the literature in individuals affected with OPN1SW-related conditions. Algorithms developed to predict the effect of sequence changes on RNA splicing suggest that this variant may create or strengthen a splice site. In summary, the available evidence is currently insufficient to determine the role of this variant in disease. Therefore, it has been classified as a Variant of Uncertain Significance.

NM_001385125.1(OPN1SW):c.506G>A (p.Trp169Ter)

Gene: OPN1SW (opsin 1, short wave sensitive; minus strand). Cytogenetic location: 7q32.1.
Variant type: single nucleotide variant.
Coding change: c.506G>A on transcript NM_001385125.1 (MANE Select); coding-DNA position 506, G replaced by A.
Protein change: p.Trp169Ter; replaces tryptophan 169 with a stop codon.
Molecular consequence: nonsense.
Genome position (GRCh38, 1-based): chr7:128,774,992, C>T on the plus strand (G>A on the coding strand, the complement: OPN1SW is on the minus strand). VCF-style: chr7-128774992-C-T. GRCh37 (hg19) VCF-style: chr7-128415046-C-T.
Other names: short protein forms W169*.
Identifiers: ClinVar variation 4720841 (VCV004720841.1).
Genomic context (GRCh38, chr7:128,774,992, plus strand): 5'-CCCACATCAACCTGAGCTCCTAGTTAACTCAGCACCACTGCCCTGCACTCTCACCGGCTC[C>T]AGCCAAAGAAGGGTGGGATGGAGACGCCAATACCAATGGTCCAGGTAGCCAGGACCACCG-3'